The following is an entry in ClinVar:

NM_005359.6(SMAD4):c.1034G>C (p.Cys345Ser)

Gene: SMAD4 (SMAD family member 4; plus strand). Cytogenetic location: 18q21.2.
Variant type: single nucleotide variant.
Coding change: c.1034G>C on transcript NM_005359.6 (MANE Select); coding-DNA position 1034, G replaced by C.
Protein change: p.Cys345Ser; replaces cysteine 345 with serine.
Molecular consequence: missense variant.
Genome position (GRCh38, 1-based): chr18:51,065,501, G>C. VCF-style: chr18-51065501-G-C. GRCh37 (hg19) VCF-style: chr18-48591871-G-C.
Other names: c.1034G>C (NM_005359.5); short protein forms C345S.
Identifiers: ClinVar variation 1484235 (VCV001484235.11), dbSNP rs2144446938, ClinGen allele CA402464253.
Genomic context (GRCh38, chr18:51,065,501, plus strand): 5'-CCATTGCTTACTTTGAAATGGATGTTCAGGTAGGAGAGACATTTAAGGTTCCTTCAAGCT[G>C]CCCTATTGTTACTGTTGATGGATACGTGGACCCTTCTGGAGGAGATCGCTTTTGTTTGGG-3'
Protein context (NP_005350.1, residues 335-355): VGETFKVPSS[Cys345Ser]PIVTVDGYVD

ClinVar aggregate classification (germline): Uncertain significance. Review status: criteria provided, multiple submitters, no conflicts (2 of 4 stars). 2 submissions from 2 submitters: Uncertain significance (2). Last evaluated 2026-08-10.

Conditions:
Juvenile polyposis syndrome (JPS). Identifiers: Orphanet 2929, MedGen C0345893, MONDO:0017380, OMIM 174900.
Familial thoracic aortic aneurysm and aortic dissection (TAAD). Also called: Thoracic aortic aneurysms and dissections. Identifiers: Orphanet 91387, MedGen C4707243, MONDO:0019625.
Hereditary cancer-predisposing syndrome. Also called: Hereditary Cancer Syndrome; Tumor predisposition; Neoplastic Syndromes, Hereditary; Hereditary neoplastic syndrome. Identifiers: Orphanet 140162, MedGen C0027672, MeSH D009386, MONDO:0015356.

Submissions (2):

Ambry Genetics
Classification: Uncertain significance for Hereditary cancer-predisposing syndrome; Familial thoracic aortic aneurysm and aortic dissection. Last evaluated: 2026-08-10. Review status: criteria provided, single submitter. Criteria: Ambry Variant Classification Scheme 2023. Collection method: clinical testing. Allele origin: germline.
Comment: The p.C345S variant (also known as c.1034G>C), located in coding exon 8 of the SMAD4 gene, results from a G to C substitution at nucleotide position 1034. The cysteine at codon 345 is replaced by serine, an amino acid with dissimilar properties. This amino acid position is highly conserved in available vertebrate species. In addition, this alteration is predicted to be deleterious by in silico analysis. Based on the available evidence, the clinical significance of this variant remains unclear.

Labcorp Genetics (formerly Invitae), Labcorp
Classification: Uncertain significance for Juvenile polyposis syndrome. Last evaluated: 2025-04-18. Review status: criteria provided, single submitter. Criteria: Invitae Variant Classification Sherloc (09022015). Collection method: clinical testing. Allele origin: germline.
Comment: This sequence change replaces cysteine, which is neutral and slightly polar, with serine, which is neutral and polar, at codon 345 of the SMAD4 protein (p.Cys345Ser). This variant is not present in population databases (gnomAD no frequency). This variant has not been reported in the literature in individuals affected with SMAD4-related conditions. ClinVar contains an entry for this variant (Variation ID: 1484235). Invitae Evidence Modeling of protein sequence and biophysical properties (such as structural, functional, and spatial information, amino acid conservation, physicochemical variation, residue mobility, and thermodynamic stability) has been performed for this missense variant. However, the output from this modeling did not meet the statistical confidence thresholds required to predict the impact of this variant on SMAD4 protein function. In summary, the available evidence is currently insufficient to determine the role of this variant in disease. Therefore, it has been classified as a Variant of Uncertain Significance.